The following is an entry in ClinVar:

NM_177438.3(DICER1):c.3541A>C (p.Asn1181His)

Gene: DICER1 (dicer 1, ribonuclease III; minus strand). Cytogenetic location: 14q32.13.
Variant type: single nucleotide variant.
Coding change: c.3541A>C on transcript NM_177438.3 (MANE Select); coding-DNA position 3541, A replaced by C.
Protein change: p.Asn1181His; replaces asparagine 1181 with histidine.
Molecular consequence: missense variant. On other transcripts: non-coding transcript variant (6).
Genome position (GRCh38, 1-based): chr14:95,103,855, T>G on the plus strand (A>C on the coding strand, the complement: DICER1 is on the minus strand). VCF-style: chr14-95103855-T-G. GRCh37 (hg19) VCF-style: chr14-95570192-T-G.
Other names: c.3541A>C, p.Asn1181His (NM_001195573.1, NM_001271282.3, NM_001291628.2 and 13 more transcripts); c.3259A>C, p.Asn1087His (NM_001395686.1); c.3136A>C, p.Asn1046His (NM_001395687.1, NM_001395688.1, NM_001395689.1 and 2 more transcripts); c.2974A>C, p.Asn992His (NM_001395691.1); c.1858A>C, p.Asn620His (NM_001395697.1); short protein forms N992H, N1046H, N1181H, N620H, N1087H.
Identifiers: ClinVar variation 2767691 (VCV002767691.3), dbSNP rs1595366194, ClinGen allele CA390875011.

ClinVar aggregate classification (germline): Uncertain significance (1 of 4 stars; one submission).

Conditions:
DICER1-related tumor predisposition. Also called: DICER1-related pleuropulmonary blastoma cancer predisposition syndrome; DICER1 syndrome. Identifiers: Orphanet 284343, MedGen C3839822, MONDO:0100216.

Submission:

Labcorp Genetics (formerly Invitae), Labcorp
Classification: Uncertain significance for DICER1-related tumor predisposition. Last evaluated: 2024-02-29. Review status: criteria provided, single submitter. Criteria: Invitae Variant Classification Sherloc (09022015). Collection method: clinical testing. Allele origin: germline.
Comment: This sequence change replaces asparagine, which is neutral and polar, with histidine, which is basic and polar, at codon 1181 of the DICER1 protein (p.Asn1181His). This variant is not present in population databases (gnomAD no frequency). This variant has not been reported in the literature in individuals affected with DICER1-related conditions. Advanced modeling of protein sequence and biophysical properties (such as structural, functional, and spatial information, amino acid conservation, physicochemical variation, residue mobility, and thermodynamic stability) performed at Invitae indicates that this missense variant is not expected to disrupt DICER1 protein function with a negative predictive value of 80%. In summary, the available evidence is currently insufficient to determine the role of this variant in disease. Therefore, it has been classified as a Variant of Uncertain Significance.